The following is an entry in ClinVar:

ClinVar aggregate classification (germline): Uncertain significance. Review status: criteria provided, multiple submitters, no conflicts (2 of 4 stars). 2 submissions from 2 submitters: Uncertain significance (2). Last evaluated 2025-02-26.

Conditions:
Inborn genetic diseases. Identifiers: MedGen C0950123, MeSH D030342.
Developmental and epileptic encephalopathy, 23 (DEE23). Also called: Epileptic encephalopathy, early infantile, 23. Identifiers: Orphanet 411986, MedGen C4014492, MONDO:0014371, OMIM 615859.

Allele frequency attached by ClinVar (database versions not stated): gnomAD exomes below 0.00001; TOPMed 0.00002.

Submissions (2):

Ambry Genetics
Classification: Uncertain significance for Inborn genetic diseases. Last evaluated: 2025-02-26. Review status: criteria provided, single submitter. Criteria: Ambry Variant Classification Scheme 2023. Collection method: clinical testing. Allele origin: germline.

Labcorp Genetics (formerly Invitae), Labcorp
Classification: Uncertain significance for Developmental and epileptic encephalopathy, 23. Last evaluated: 2019-10-28. Review status: criteria provided, single submitter. Criteria: Invitae Variant Classification Sherloc (09022015). Collection method: clinical testing. Allele origin: germline.
Comment: In summary, the available evidence is currently insufficient to determine the role of this variant in disease. Therefore, it has been classified as a Variant of Uncertain Significance. Algorithms developed to predict the effect of missense changes on protein structure and function (SIFT, PolyPhen-2, Align-GVGD) all suggest that this variant is likely to be disruptive, but these predictions have not been confirmed by published functional studies and their clinical significance is uncertain. This variant has not been reported in the literature in individuals with DOCK7-related conditions. This variant is not present in population databases (ExAC no frequency). This sequence change replaces tyrosine with histidine at codon 1617 of the DOCK7 protein (p.Tyr1617His). The tyrosine residue is highly conserved and there is a moderate physicochemical difference between tyrosine and histidine.

NM_001367561.1(DOCK7):c.4876T>C (p.Tyr1626His)

Gene: DOCK7 (dedicator of cytokinesis 7; minus strand). Cytogenetic location: 1p31.3.
Variant type: single nucleotide variant.
Coding change: c.4876T>C on transcript NM_001367561.1 (MANE Select); coding-DNA position 4876, T replaced by C.
Protein change: p.Tyr1626His; replaces tyrosine 1626 with histidine.
Molecular consequence: missense variant.
Genome position (GRCh38, 1-based): chr1:62,496,386, A>G on the plus strand (T>C on the coding strand, the complement: DOCK7 is on the minus strand). VCF-style: chr1-62496386-A-G. GRCh37 (hg19) VCF-style: chr1-62962057-A-G.
Other names: c.4783T>C (NM_033407.2); c.4849T>C, p.Tyr1617His (NM_001271999.2, NM_001330614.2); c.4756T>C, p.Tyr1586His (NM_001272000.2, NM_001272001.2); c.4783T>C, p.Tyr1595His (NM_033407.4); short protein forms Y1595H, Y1586H, Y1617H, Y1626H.
Identifiers: ClinVar variation 957792 (VCV000957792.11), dbSNP rs1357729781, ClinGen allele CA340614094.
Genomic context (GRCh38, chr1:62,496,386, plus strand): 5'-CAGCATTTCTGACCTGATCAGGAAATGTTGTTTCCCTCAATTCCAGATCTTCTTCAGCAT[A>G]TGTCAATATAGTCTTTAGAGAACGTCTTAAGAATTCTTCATTAAAATTCTGAGATGTGCC-3'
Protein context (NP_001354490.1, residues 1616-1636): LRRSLKTILT[Tyr1626His]AEEDLELRET